The following is an entry in ClinVar:

ClinVar aggregate classification (germline): Uncertain significance (1 of 4 stars; one submission).

Conditions:
Perlman syndrome (PRLMNS). Identifiers: Orphanet 2849, MedGen C0796113, MONDO:0009965, OMIM 267000.

Allele frequency attached by ClinVar (database versions not stated): gnomAD exomes below 0.00001; ExAC 0.00001; gnomAD 0.00001; TOPMed 0.00001.
gnomAD v4.1: 1 of 1,611,220 alleles (0.000062%); highest among the groups gnomAD compares: Non-Finnish European, 0.000085%; no homozygotes.

Submission:

Labcorp Genetics (formerly Invitae), Labcorp
Classification: Uncertain significance for Perlman syndrome. Last evaluated: 2024-11-17. Review status: criteria provided, single submitter. Criteria: Invitae Variant Classification Sherloc (09022015). Collection method: clinical testing. Allele origin: germline.
Comment: This sequence change replaces aspartic acid, which is acidic and polar, with valine, which is neutral and non-polar, at codon 109 of the DIS3L2 protein (p.Asp109Val). This variant is present in population databases (rs750103678, gnomAD 0.0009%). This variant has not been reported in the literature in individuals affected with DIS3L2-related conditions. ClinVar contains an entry for this variant (Variation ID: 1512556). Invitae Evidence Modeling of protein sequence and biophysical properties (such as structural, functional, and spatial information, amino acid conservation, physicochemical variation, residue mobility, and thermodynamic stability) indicates that this missense variant is expected to disrupt DIS3L2 protein function with a positive predictive value of 80%. In summary, the available evidence is currently insufficient to determine the role of this variant in disease. Therefore, it has been classified as a Variant of Uncertain Significance.

NM_152383.5(DIS3L2):c.326A>T (p.Asp109Val)

Gene: DIS3L2 (DIS3 like 3'-5' exoribonuclease 2; plus strand). Cytogenetic location: 2q37.1.
Variant type: single nucleotide variant.
Coding change: c.326A>T on transcript NM_152383.5 (MANE Select); coding-DNA position 326, A replaced by T.
Protein change: p.Asp109Val; replaces aspartic acid 109 with valine.
Molecular consequence: missense variant. On other transcripts: non-coding transcript variant (2).
Genome position (GRCh38, 1-based): chr2:232,030,040, A>T. VCF-style: chr2-232030040-A-T. GRCh37 (hg19) VCF-style: chr2-232894750-A-T.
Other names: c.326A>T, p.Asp109Val (NM_001257281.2, NM_001257282.2); short protein forms D109V.
Identifiers: ClinVar variation 1512556 (VCV001512556.8), dbSNP rs750103678, ClinGen allele CA2163795.